The following is an entry in ClinVar:

ClinVar aggregate classification (germline): Conflicting classifications of pathogenicity. Review status: criteria provided, conflicting classifications (1 of 4 stars). 4 submissions from 4 submitters: Uncertain significance (3); Likely benign (1). Last evaluated 2023-03-23.

Conditions:
Short-rib thoracic dysplasia 13 with or without polydactyly (SRTD13). Identifiers: Orphanet 474, MedGen C4225378, MONDO:0014577, OMIM 616300.
Joubert syndrome 31. Identifiers: MedGen C4540355, MONDO:0033310, OMIM 617761.
Inborn genetic diseases. Identifiers: MedGen C0950123, MeSH D030342.

Allele frequency attached by ClinVar (database versions not stated): gnomAD exomes 0.00010; ExAC 0.00015; 1000 Genomes Project 0.00040; 1000 Genomes Project 30x 0.00047; gnomAD 0.00047; ESP Exome Variant Server 0.00050; TOPMed 0.00050.
gnomAD v4.1: 142 of 1,614,022 alleles (0.0088%); highest among the groups gnomAD compares: African/African-American, 0.17%; no homozygotes.

Submissions (4):

GeneDx
Classification: Uncertain significance. Last evaluated: 2023-03-23. Review status: criteria provided, single submitter. Criteria: GeneDx Variant Classification Process June 2021. Collection method: clinical testing. Allele origin: germline. Affected: yes.
Comment: In silico analysis supports that this missense variant does not alter protein structure/function; Has not been previously published as pathogenic or benign to our knowledge

Baylor Genetics
Classification: Uncertain significance for Joubert syndrome 31. Last evaluated: 2023-02-16. Review status: criteria provided, single submitter. Criteria: ACMG Guidelines, 2015. Collection method: clinical testing. Allele origin: unknown.

Ambry Genetics
Classification: Likely benign for Inborn genetic diseases. Last evaluated: 2021-10-18. Review status: criteria provided, single submitter. Criteria: Ambry Variant Classification Scheme 2023. Collection method: clinical testing. Allele origin: germline.

Labcorp Genetics (formerly Invitae), Labcorp
Classification: Uncertain significance for Short-rib thoracic dysplasia 13 with or without polydactyly. Last evaluated: 2021-08-28. Review status: criteria provided, single submitter. Criteria: Invitae Variant Classification Sherloc (09022015). Collection method: clinical testing. Allele origin: germline.
Comment: This sequence change replaces lysine with asparagine at codon 373 of the CEP120 protein (p.Lys373Asn). The lysine residue is moderately conserved and there is a moderate physicochemical difference between lysine and asparagine. This variant is present in population databases (rs201571160, ExAC 0.2%). This variant has not been reported in the literature in individuals affected with CEP120-related conditions. Algorithms developed to predict the effect of missense changes on protein structure and function are either unavailable or do not agree on the potential impact of this missense change (SIFT: "Deleterious"; PolyPhen-2: "Benign"; Align-GVGD: "Class C0"). In summary, the available evidence is currently insufficient to determine the role of this variant in disease. Therefore, it has been classified as a Variant of Uncertain Significance.

NM_001375405.1(CEP120):c.1119G>C (p.Lys373Asn)

Gene: CEP120 (centrosomal protein 120; minus strand). Cytogenetic location: 5q23.2.
Variant type: single nucleotide variant.
Coding change: c.1119G>C on transcript NM_001375405.1 (MANE Select); coding-DNA position 1119, G replaced by C.
Protein change: p.Lys373Asn; replaces lysine 373 with asparagine.
Molecular consequence: missense variant. On other transcripts: non-coding transcript variant (1), intron variant (1).
Genome position (GRCh38, 1-based): chr5:123,390,060, C>G on the plus strand (G>C on the coding strand, the complement: CEP120 is on the minus strand). VCF-style: chr5-123390060-C-G. GRCh37 (hg19) VCF-style: chr5-122725754-C-G.
Other names: c.1041G>C, p.Lys347Asn (NM_001166226.2); c.1119G>C, p.Lys373Asn (NM_001375407.1, NM_153223.4); c.546G>C, p.Lys182Asn (NM_001375408.1, NM_001375409.1); c.1039-55G>C (NM_001375406.1); short protein forms K182N, K347N, K373N.
Identifiers: ClinVar variation 972143 (VCV000972143.12), dbSNP rs201571160, ClinGen allele CA3387050.